The following is an entry in ClinVar:

NC_000009.12:g.20717794del

Gene: FOCAD (focadhesin; plus strand). Cytogenetic location: 9p21.3.
Variant type: Deletion.
Genome position: GRCh38 VCF-style: chr9-20717792-AG-A. GRCh37 (hg19) VCF-style: chr9-20717791-AG-A.
Identifiers: ClinVar variation 4804225 (VCV004804225.1).

ClinVar aggregate classification (germline): Uncertain significance (1 of 4 stars; one submission).

Submission:

Labcorp Genetics (formerly Invitae), Labcorp
Classification: Uncertain significance. Last evaluated: 2025-07-21. Review status: criteria provided, single submitter. Criteria: Invitae Variant Classification Sherloc (09022015). Collection method: clinical testing. Allele origin: germline.
Comment: This sequence change creates a premature translational stop signal (p.Ala20Leufs*10) in the FOCAD gene. It is expected to result in an absent or disrupted protein product. However, the current clinical and genetic evidence is not sufficient to establish whether loss-of-function variants in FOCAD cause disease. This variant is present in population databases (no rsID available, gnomAD 0.0009%). This variant has not been reported in the literature in individuals affected with FOCAD-related conditions. Algorithms developed to predict the effect of sequence changes on RNA splicing suggest that this variant may disrupt the consensus splice site. In summary, the available evidence is currently insufficient to determine the role of this variant in disease. Therefore, it has been classified as a Variant of Uncertain Significance.